The following is an entry in ClinVar:

NM_001377.3(DYNC2H1):c.6043C>T (p.Arg2015Ter)

Gene: DYNC2H1 (dynein cytoplasmic 2 heavy chain 1; plus strand). Cytogenetic location: 11q22.3.
Variant type: single nucleotide variant.
Coding change: c.6043C>T on transcript NM_001377.3 (MANE Select); coding-DNA position 6043, C replaced by T.
Protein change: p.Arg2015Ter; replaces arginine 2015 with a stop codon.
Molecular consequence: nonsense.
Genome position (GRCh38, 1-based): chr11:103,177,724, C>T. VCF-style: chr11-103177724-C-T. GRCh37 (hg19) VCF-style: chr11-103048453-C-T.
Other names: c.6043C>T, p.Arg2015Ter (NM_001080463.2); short protein forms R2015*.
Identifiers: ClinVar variation 2735737 (VCV002735737.5), dbSNP rs1219437391, ClinGen allele CA382246377.

ClinVar aggregate classification (germline): Pathogenic. Review status: criteria provided, multiple submitters, no conflicts (2 of 4 stars). 2 submissions from 2 submitters: Pathogenic (2). Last evaluated 2025-02-20.

Conditions:
Jeune thoracic dystrophy. Also called: Jeune syndrome; Infantile thoracic dystrophy; Thoracic pelvic phalangeal dystrophy; Jeune's syndrome; Chondroectodermal dysplasia-like syndrome; Short-rib thoracic dysplasia. Identifiers: Orphanet 474, MedGen C0265275, MONDO:0018770.
Asphyxiating thoracic dystrophy 3. Also called: Saldino-Noonan Syndrome; SHORT-RIB THORACIC DYSPLASIA 3 WITH OR WITHOUT POLYDACTYLY; POLYDACTYLY WITH NEONATAL CHONDRODYSTROPHY, TYPE I; SHORT-RIB THORACIC DYSPLASIA 3/6 WITH POLYDACTYLY, DIGENIC; Short rib polydactyly syndrome 2B. Identifiers: Orphanet 474, Orphanet 93269, Orphanet 93270, Orphanet 93271, MedGen C0036069, MONDO:0013127, OMIM 613091.

Allele frequency attached by ClinVar (database versions not stated): gnomAD exomes 0.00001.
gnomAD v4.1: 13 of 1,613,274 alleles (0.00081%); highest among the groups gnomAD compares: East Asian, 0.0022%; no homozygotes.

Submissions (2):

Labcorp Genetics (formerly Invitae), Labcorp
Classification: Pathogenic for Jeune thoracic dystrophy. Last evaluated: 2025-02-20. Review status: criteria provided, single submitter. Criteria: Invitae Variant Classification Sherloc (09022015). Collection method: clinical testing. Allele origin: germline.
Comment: This sequence change creates a premature translational stop signal (p.Arg2015*) in the DYNC2H1 gene. It is expected to result in an absent or disrupted protein product. Loss-of-function variants in DYNC2H1 are known to be pathogenic (PMID: 23339108, 32753734, 33755199). This variant is present in population databases (no rsID available, gnomAD 0.003%). This premature translational stop signal has been observed in individual(s) with asphyxiating thoracic dysplasia (PMID: 23339108). ClinVar contains an entry for this variant (Variation ID: 2735737). Algorithms developed to predict the effect of sequence changes on RNA splicing suggest that this variant may disrupt the consensus splice site. For these reasons, this variant has been classified as Pathogenic.

Myriad Genetics, Inc.
Classification: Pathogenic for Asphyxiating thoracic dystrophy 3. Last evaluated: 2024-10-05. Review status: criteria provided, single submitter. Criteria: Myriad Autosomal Dominant, Autosomal Recessive and X-Linked Classification Criteria (2023). Collection method: clinical testing. Allele origin: unknown.
Comment: NM_001377.2(DYNC2H1):c.6043C>T(R2015*) is expected to be pathogenic in the context of DYNC2H1-related disorders. This variant is predicted to lead to an abnormal or absent protein product due to the creation of a premature termination codon in DYNC2H1, a gene where loss-of-function variants are known to be pathogenic. Please note: this variant was assessed in the context of healthy population screening.

Literature cited by the submitters: PubMed 23339108 (cited by Labcorp Genetics (formerly Invitae), Labcorp); PubMed 32753734 (cited by Labcorp Genetics (formerly Invitae), Labcorp); PubMed 33755199 (cited by Labcorp Genetics (formerly Invitae), Labcorp).